The following is an entry in ClinVar:

ClinVar aggregate classification (germline): Benign. Review status: criteria provided, single submitter (1 of 4 stars). 2 submissions from 1 submitter: Benign (2). Last evaluated 2018-01-13.

Conditions:
Arterial calcification, generalized, of infancy, 1 (GACI1). Also called: Idiopathic Infantile Arterial Calcification. Identifiers: Orphanet 51608, MedGen C4551985, MONDO:0008817, OMIM 208000.
Hypophosphatemic rickets, autosomal recessive, 2 (ARHR2). Identifiers: Orphanet 289176, MedGen C2750078, MONDO:0013219, OMIM 613312.

Allele frequency attached by ClinVar (database versions not stated): gnomAD 0.11704 and 0.12356; 1000 Genomes Project 0.11721; 1000 Genomes Project 30x 0.12242; TOPMed 0.13061.

Submissions (2):

Illumina Laboratory Services, Illumina
Classification: Benign for Arterial calcification, generalized, of infancy, 1. Last evaluated: 2018-01-13. Review status: criteria provided, single submitter. Criteria: ICSL Variant Classification Criteria 13 December 2019. Collection method: clinical testing. Allele origin: germline.
Comment: This variant was observed in the ICSL laboratory as part of a predisposition screen in an ostensibly healthy population. It had not been previously curated by ICSL or reported in the Human Gene Mutation Database (HGMD: prior to June 1st, 2018), and was therefore a candidate for classification through an automated scoring system. Utilizing variant allele frequency, disease prevalence and penetrance estimates, and inheritance mode, an automated score was calculated to assess if this variant is too frequent to cause the disease. Based on the score and internal cut-off values, a variant classified as benign is not then subjected to further curation. The score for this variant resulted in a classification of benign for this disease.

Illumina Laboratory Services, Illumina
Classification: Benign for Hypophosphatemic rickets, autosomal recessive, 2. Last evaluated: 2018-01-13. Review status: criteria provided, single submitter. Criteria: ICSL Variant Classification Criteria 13 December 2019. Collection method: clinical testing. Allele origin: germline.
Comment: the same text as in the submission from Illumina Laboratory Services, Illumina above.

NM_006208.3(ENPP1):c.*1137T>C

Gene: ENPP1 (ectonucleotide pyrophosphatase/phosphodiesterase 1; plus strand). Cytogenetic location: 6q23.2.
Variant type: single nucleotide variant.
Coding change: c.*1137T>C on transcript NM_006208.3 (MANE Select); 1137 bases downstream of the stop codon, T replaced by C.
Molecular consequence: 3 prime UTR variant.
Genome position (GRCh38, 1-based): chr6:131,891,648, T>C. VCF-style: chr6-131891648-T-C. GRCh37 (hg19) VCF-style: chr6-132212788-T-C.
Identifiers: ClinVar variation 355380 (VCV000355380.5), dbSNP rs11154648, ClinGen allele CA10621431.